The following is an entry in ClinVar:

ClinVar aggregate classification (germline): Pathogenic (1 of 4 stars; one submission).

Submission:

GeneDx
Classification: Pathogenic. Last evaluated: 2025-04-25. Review status: criteria provided, single submitter. Criteria: GeneDx Variant Classification Process June 2021. Collection method: clinical testing. Allele origin: germline. Affected: yes.
Comment: Frameshift variant predicted to result in protein truncation or nonsense mediated decay in a gene for which loss-of-function is a known mechanism of disease; Not observed in large population cohorts (gnomAD); Has not been previously published as pathogenic or benign to our knowledge

NM_015100.4(POGZ):c.708del (p.Ile237fs)

Gene: POGZ (pogo transposable element derived with ZNF domain; minus strand). Cytogenetic location: 1q21.3.
Variant type: Deletion.
Coding change: c.708del on transcript NM_015100.4 (MANE Select); coding-DNA position 708, one base deleted (C; older notation c.708delC).
Protein change: p.Ile237fs; shifts the reading frame from isoleucine 237.
Molecular consequence: frameshift variant.
Genome position (GRCh38, 1-based): chr1:151,428,274, G deleted on the plus strand (C on the coding strand, the reverse complement: POGZ is on the minus strand); the first of 2 consecutive G bases (chr1:151,428,274-151,428,275); deleting either gives the same sequence. VCF-style (leftmost placement, unchanged base first): chr1-151428273-TG-T. GRCh37 (hg19) VCF-style: chr1-151400749-TG-T.
Other names: c.708del, p.Ile237fs (NM_001194937.2); c.549del, p.Ile184fs (NM_001194938.2, NM_207171.2); c.729del, p.Ile244fs (NM_001410860.1); c.423del, p.Ile142fs (NM_145796.4); short protein forms I142fs, I184fs, I237fs, I244fs.
Identifiers: ClinVar variation 4528300 (VCV004528300.1).
Genomic context (GRCh38, chr1:151,428,273, plus strand): 5'-TAGAAGTGCTGGGAGTGGACTTGGTCTGCTGGGACTGGGACTGTGGGACGGTGCTTCGAA[TG>T]GTAAGAGTGGCCGGGATGACGGTGGTGAAGGTGTTGGTGGTGGGCCTCACAGGCATTGTG-3'